The following is an entry in ClinVar:

ClinVar aggregate classification (germline): Uncertain significance (1 of 4 stars; one submission).

Conditions:
Marfan syndrome (MFS). Also called: MARFAN SYNDROME, TYPE I; Marfan syndrome type 1; Marfan's syndrome; Marfan syndrome, classic; FBN1-Related Marfan Syndrome. Identifiers: Orphanet 284963, Orphanet 558, MedGen C0024796, MONDO:0007947, OMIM 154700.
Familial thoracic aortic aneurysm and aortic dissection (TAAD). Also called: Thoracic aortic aneurysms and dissections. Identifiers: Orphanet 91387, MedGen C4707243, MONDO:0019625.

gnomAD v4.1: 1 of 1,611,892 alleles (0.000062%); highest among the groups gnomAD compares: Non-Finnish European, 0.000085%; no homozygotes.

Submission:

Labcorp Genetics (formerly Invitae), Labcorp
Classification: Uncertain significance for Marfan syndrome; Familial thoracic aortic aneurysm and aortic dissection. Last evaluated: 2024-02-08. Review status: criteria provided, single submitter. Criteria: Invitae Variant Classification Sherloc (09022015). Collection method: clinical testing. Allele origin: germline.
Comment: This sequence change falls in intron 61 of the FBN1 gene. It does not directly change the encoded amino acid sequence of the FBN1 protein. This variant is not present in population databases (gnomAD no frequency). This variant has not been reported in the literature in individuals affected with FBN1-related conditions. Algorithms developed to predict the effect of sequence changes on RNA splicing suggest that this variant may disrupt the consensus splice site. In summary, the available evidence is currently insufficient to determine the role of this variant in disease. Therefore, it has been classified as a Variant of Uncertain Significance.

NM_000138.5(FBN1):c.7571-17C>G

Gene: FBN1 (fibrillin 1; minus strand). Cytogenetic location: 15q21.1.
Variant type: single nucleotide variant.
Coding change: c.7571-17C>G on transcript NM_000138.5 (MANE Select); 17 bases into the intron before coding-DNA position 7571, C replaced by G.
Molecular consequence: intron variant.
Genome position (GRCh38, 1-based): chr15:48,421,703, G>C on the plus strand (C>G on the coding strand, the complement: FBN1 is on the minus strand). VCF-style: chr15-48421703-G-C. GRCh37 (hg19) VCF-style: chr15-48713900-G-C.
Other names: c.7571-17C>G (NM_001406716.1).
Identifiers: ClinVar variation 3754530 (VCV003754530.2).
Genomic context (GRCh38, chr15:48,421,703, plus strand): 5'-CTTAGACCCGCACAGATTGATGTCAGAGGTGCATTCATTGTTATCTATGAGAAGCAGTGG[G>C]GGCAAAGAGGGGTTAAAATTCCCCAAAGCTCTCTTTGTATCATTTAAAAGAAAATTAGAA-3'